The following is an entry in ClinVar:

NM_000051.4(ATM):c.8859A>G (p.Leu2953=)

Genes: ATM (ATM serine/threonine kinase; plus strand), C11orf65 (chromosome 11 open reading frame 65; minus strand). Cytogenetic location: 11q22.3.
Variant type: single nucleotide variant.
Coding change: c.8859A>G on transcript NM_000051.4 (MANE Select); coding-DNA position 8859, A replaced by G.
Protein change: p.Leu2953=; no amino-acid change (leucine 2953 retained).
Molecular consequence: synonymous variant. On other transcripts: intron variant (2).
Genome position (GRCh38, 1-based): chr11:108,365,090, A>G. VCF-style: chr11-108365090-A-G. GRCh37 (hg19) VCF-style: chr11-108235817-A-G.
Other names: c.8859A>G, p.Leu2953= (NM_001351834.2); c.640+20830T>C (NM_001330368.2); c.694+20830T>C (NM_001351110.2).
Identifiers: ClinVar variation 513933 (VCV000513933.17), dbSNP rs773994431, ClinGen allele CA228383491.

ClinVar aggregate classification (germline): Benign/Likely benign. Review status: criteria provided, multiple submitters, no conflicts (2 of 4 stars). 5 submissions from 5 submitters: Benign (1); Likely benign (4). Last evaluated 2025-12-02.

Conditions:
Hereditary cancer-predisposing syndrome. Also called: Hereditary Cancer Syndrome; Neoplastic Syndromes, Hereditary; Tumor predisposition; Hereditary neoplastic syndrome. Identifiers: Orphanet 140162, MedGen C0027672, MeSH D009386, MONDO:0015356.
Ataxia-telangiectasia syndrome (AT). Also called: Cerebello-oculocutaneous telangiectasia; Immunodeficiency with ataxia telangiectasia; Ataxia-telangiectasia, complementation group E; Ataxia-telangiectasia, complementation group D; AT, COMPLEMENTATION GROUP C; ATAXIA-TELANGIECTASIA, COMPLEMENTATION GROUP A. Identifiers: Orphanet 100, MedGen C0004135, MONDO:0008840, OMIM 208900.
Familial cancer of breast. Also called: BREAST CANCER, FAMILIAL; Hereditary breast cancer; hereditary breast carcinoma. Identifiers: Orphanet 227535, MedGen C0346153, MONDO:0016419, OMIM 114480. Disease mechanism: loss of function.

Allele frequency attached by ClinVar (database versions not stated): gnomAD 0.00001; TOPMed below 0.00001.
gnomAD v4.1: 5 of 1,613,986 alleles (0.00031%); highest among the groups gnomAD compares: East Asian, 0.0022%; no homozygotes.

Submissions (5):

Labcorp Genetics (formerly Invitae), Labcorp
Classification: Likely benign for Ataxia-telangiectasia syndrome. Last evaluated: 2025-12-02. Review status: criteria provided, single submitter. Criteria: Invitae Variant Classification Sherloc (09022015). Collection method: clinical testing. Allele origin: germline.

Myriad Genetics, Inc.
Classification: Benign for Familial cancer of breast. Last evaluated: 2024-06-21. Review status: criteria provided, single submitter. Criteria: Myriad Autosomal Dominant, Autosomal Recessive and X-Linked Classification Criteria (2023). Collection method: clinical testing. Allele origin: unknown.
Comment: This variant is considered benign. This variant is a silent/synonymous amino acid change and it is not expected to impact splicing.

Color Diagnostics, LLC DBA Color Health
Classification: Likely benign for Hereditary cancer-predisposing syndrome. Last evaluated: 2021-12-27. Review status: criteria provided, single submitter. Criteria: ACMG Guidelines, 2015. Collection method: clinical testing. Allele origin: germline.

GeneDx
Classification: Likely benign. Last evaluated: 2019-05-14. Review status: criteria provided, single submitter. Criteria: GeneDx Variant Classification Process June 2021. Collection method: clinical testing. Allele origin: germline. Affected: yes.

Ambry Genetics
Classification: Likely benign for Hereditary cancer-predisposing syndrome. Last evaluated: 2017-11-13. Review status: criteria provided, single submitter. Criteria: Ambry Variant Classification Scheme 2023. Collection method: clinical testing. Allele origin: germline.